The following is an entry in ClinVar:

ClinVar aggregate classification (germline): Benign/Likely benign. Review status: criteria provided, multiple submitters, no conflicts (2 of 4 stars). 7 submissions from 7 submitters: Benign (1); Likely benign (6). Last evaluated 2025-12-01.

Conditions:
Classic or attenuated familial adenomatous polyposis. Identifiers: MedGen CN372698, MONDO:0021057.
Hereditary cancer-predisposing syndrome. Also called: Hereditary neoplastic syndrome; Hereditary Cancer Syndrome; Neoplastic Syndromes, Hereditary; Tumor predisposition. Identifiers: Orphanet 140162, MedGen C0027672, MeSH D009386, MONDO:0015356.
Familial adenomatous polyposis 1 (FAP1). Also called: FAMILIAL ADENOMATOUS POLYPOSIS 1, ATTENUATED; POLYPOSIS, ADENOMATOUS INTESTINAL. Identifiers: MedGen C2713442, MONDO:0021056, OMIM 175100. Disease mechanism: loss of function.

Allele frequency attached by ClinVar (database versions not stated): gnomAD exomes below 0.00001; gnomAD 0.00005; TOPMed 0.00007.
gnomAD v4.1: 14 of 1,613,998 alleles (0.00087%); highest among the groups gnomAD compares: African/African-American, 0.015%; no homozygotes.

Submissions (7):

Labcorp Genetics (formerly Invitae), Labcorp
Classification: Likely benign for Familial adenomatous polyposis 1. Last evaluated: 2025-12-01. Review status: criteria provided, single submitter. Criteria: Invitae Variant Classification Sherloc (09022015). Collection method: clinical testing. Allele origin: germline.

Myriad Genetics, Inc.
Classification: Benign for Familial adenomatous polyposis 1. Last evaluated: 2024-03-25. Review status: criteria provided, single submitter. Criteria: Myriad Autosomal Dominant, Autosomal Recessive and X-Linked Classification Criteria (2023). Collection method: clinical testing. Allele origin: unknown.
Comment: This variant is considered benign. This variant is a silent/synonymous amino acid change and it is not expected to impact splicing.

All of Us Research Program, National Institutes of Health
Classification: Likely benign for Classic or attenuated familial adenomatous polyposis. Last evaluated: 2023-12-01. Review status: criteria provided, single submitter. Criteria: ACMG Guidelines, 2015. Collection method: clinical testing. Allele origin: germline. Inheritance: Autosomal dominant inheritance. Observed: 5 variant alleles, 5 heterozygotes.
Comment: This study involves interpretation of variants in research participants for the purpose of population health screening. Participant phenotype was not available at the time of variant classification. Additional details can be found in publication PMID: 35346344, PMCID: PMC8962531

Sema4
Classification: Likely benign for Hereditary cancer-predisposing syndrome. Last evaluated: 2022-02-28. Review status: criteria provided, single submitter. Criteria: Sema4 Curation Guidelines. Collection method: curation. Allele origin: germline.

GeneDx
Classification: Likely benign. Last evaluated: 2018-11-23. Review status: criteria provided, single submitter. Criteria: GeneDx Variant Classification Process June 2021. Collection method: clinical testing. Allele origin: germline. Affected: yes.

Color Diagnostics, LLC DBA Color Health
Classification: Likely benign for Hereditary cancer-predisposing syndrome. Last evaluated: 2017-01-04. Review status: criteria provided, single submitter. Criteria: ACMG Guidelines, 2015. Collection method: clinical testing. Allele origin: germline.

Ambry Genetics
Classification: Likely benign for Hereditary cancer-predisposing syndrome. Last evaluated: 2015-01-20. Review status: criteria provided, single submitter. Criteria: Ambry Variant Classification Scheme 2023. Collection method: clinical testing. Allele origin: germline.

NM_000038.6(APC):c.4146C>G (p.Leu1382=)

Gene: APC (APC regulator of Wnt signaling pathway; plus strand). Cytogenetic location: 5q22.2.
Variant type: single nucleotide variant.
Coding change: c.4146C>G on transcript NM_000038.6 (MANE Select); coding-DNA position 4146, C replaced by G.
Protein change: p.Leu1382=; no amino-acid change (leucine 1382 retained).
Molecular consequence: synonymous variant.
Genome position (GRCh38, 1-based): chr5:112,839,740, C>G. VCF-style: chr5-112839740-C-G. GRCh37 (hg19) VCF-style: chr5-112175437-C-G.
Other names: c.4146C>G, p.Leu1382= (NM_001127510.3, NM_001354895.2); c.4092C>G, p.Leu1364= (NM_001127511.3); c.4200C>G, p.Leu1400= (NM_001354896.2); c.4176C>G, p.Leu1392= (NM_001354897.2); c.4071C>G, p.Leu1357= (NM_001354898.2); c.4062C>G, p.Leu1354= (NM_001354899.2); c.4023C>G, p.Leu1341= (NM_001354900.2); c.3969C>G, p.Leu1323= (NM_001354901.2); and 5 more.
Identifiers: ClinVar variation 230096 (VCV000230096.22), dbSNP rs876658384, ClinGen allele CA10578370.